The following is an entry in ClinVar:

NM_024675.4(PALB2):c.3213T>C (p.Phe1071=)

Gene: PALB2 (partner and localizer of BRCA2; minus strand). Cytogenetic location: 16p12.2.
Variant type: single nucleotide variant.
Coding change: c.3213T>C on transcript NM_024675.4 (MANE Select); coding-DNA position 3213, T replaced by C.
Protein change: p.Phe1071=; no amino-acid change (phenylalanine 1071 retained).
Molecular consequence: synonymous variant.
Genome position (GRCh38, 1-based): chr16:23,608,001, A>G on the plus strand (T>C on the coding strand, the complement: PALB2 is on the minus strand). VCF-style: chr16-23608001-A-G. GRCh37 (hg19) VCF-style: chr16-23619322-A-G.
Identifiers: ClinVar variation 460981 (VCV000460981.13), dbSNP rs774412039, ClinGen allele CA494175899.

ClinVar aggregate classification (germline): Benign/Likely benign. Review status: criteria provided, multiple submitters, no conflicts (2 of 4 stars). 3 submissions from 3 submitters: Benign (1); Likely benign (2). Last evaluated 2025-01-21.

Conditions:
Hereditary cancer-predisposing syndrome. Also called: Neoplastic Syndromes, Hereditary; Hereditary Cancer Syndrome; Hereditary neoplastic syndrome; Tumor predisposition. Identifiers: Orphanet 140162, MedGen C0027672, MeSH D009386, MONDO:0015356.
Familial cancer of breast. Also called: BREAST CANCER, FAMILIAL; Hereditary breast cancer; hereditary breast carcinoma. Identifiers: Orphanet 227535, MedGen C0346153, MONDO:0016419, OMIM 114480. Disease mechanism: loss of function.

gnomAD v4.1: 1 of 1,613,980 alleles (0.000062%); highest among the groups gnomAD compares: Non-Finnish European, 0.000085%; no homozygotes.

Submissions (3):

Myriad Genetics, Inc.
Classification: Benign for Familial cancer of breast. Last evaluated: 2025-01-21. Review status: criteria provided, single submitter. Criteria: Myriad Autosomal Dominant, Autosomal Recessive and X-Linked Classification Criteria (2023). Collection method: clinical testing. Allele origin: unknown.
Comment: This variant is considered benign. This variant is a silent/synonymous amino acid change and it is not expected to impact splicing.

Labcorp Genetics (formerly Invitae), Labcorp
Classification: Likely benign for Familial cancer of breast. Last evaluated: 2022-05-24. Review status: criteria provided, single submitter. Criteria: Invitae Variant Classification Sherloc (09022015). Collection method: clinical testing. Allele origin: germline.

Ambry Genetics
Classification: Likely benign for Hereditary cancer-predisposing syndrome. Last evaluated: 2021-05-17. Review status: criteria provided, single submitter. Criteria: Ambry Variant Classification Scheme 2023. Collection method: clinical testing. Allele origin: germline.